The following is an entry in ClinVar:

NM_000094.4(COL7A1):c.7079G>C (p.Gly2360Ala)

Gene: COL7A1 (collagen type VII alpha 1 chain; minus strand). Cytogenetic location: 3p21.31.
Variant type: single nucleotide variant.
Coding change: c.7079G>C on transcript NM_000094.4 (MANE Select); coding-DNA position 7079, G replaced by C.
Protein change: p.Gly2360Ala; replaces glycine 2360 with alanine.
Molecular consequence: missense variant.
Genome position (GRCh38, 1-based): chr3:48,571,268, C>G on the plus strand (G>C on the coding strand, the complement: COL7A1 is on the minus strand). VCF-style: chr3-48571268-C-G. GRCh37 (hg19) VCF-style: chr3-48608701-C-G.
Other names: short protein forms G2360A.
Identifiers: ClinVar variation 2203360 (VCV002203360.5), dbSNP rs2530879122, ClinGen allele CA352651547.

ClinVar aggregate classification (germline): Pathogenic/Likely pathogenic. Review status: criteria provided, multiple submitters, no conflicts (2 of 4 stars). 2 submissions from 2 submitters: Pathogenic (1); Likely pathogenic (1). Last evaluated 2023-07-17.

Conditions:
COL7A1-related disorder. Also called: COL7A1-related condition; COL7A1- related disorders.

Allele frequency attached by ClinVar (database versions not stated): gnomAD exomes below 0.00001.
gnomAD v4.1: 1 of 1,614,158 alleles (0.000062%); highest among the groups gnomAD compares: Non-Finnish European, 0.000085%; no homozygotes.

Submissions (2):

Labcorp Genetics (formerly Invitae), Labcorp
Classification: Pathogenic. Last evaluated: 2023-07-17. Review status: criteria provided, single submitter. Criteria: Invitae Variant Classification Sherloc (09022015). Collection method: clinical testing. Allele origin: germline.
Comment: Algorithms developed to predict the effect of sequence changes on RNA splicing suggest that this variant may create or strengthen a splice site. Advanced modeling of protein sequence and biophysical properties (such as structural, functional, and spatial information, amino acid conservation, physicochemical variation, residue mobility, and thermodynamic stability) performed at Invitae indicates that this missense variant is expected to disrupt COL7A1 protein function. ClinVar contains an entry for this variant (Variation ID: 2203360). This missense change has been observed in individual(s) with autosomal recessive epidermolysis bullosa dystrophica (PMID: 16971478). This variant is not present in population databases (gnomAD no frequency). This sequence change replaces glycine, which is neutral and non-polar, with alanine, which is neutral and non-polar, at codon 2360 of the COL7A1 protein (p.Gly2360Ala). This variant disrupts the triple helix domain of COL7A1. Glycine residues within the Gly-Xaa-Yaa repeats of the triple helix domain are required for the structure and stability of fibrillar collagens (PMID: 7695699, 8218237, 19344236), and variants at these glycine residues in COL7A1 are more frequently observed in individuals with disease than in the general population (PMID: 22058051). However, the clinical significance of this observation remains uncertain since only a limited number of affected individuals have been described to date. For these reasons, this variant has been classified as Pathogenic. This variant disrupts the p.Gly2360 amino acid residue in COL7A1. Other variant(s) that disrupt this residue have been observed in individuals with COL7A1-related conditions (PMID: 31001817), which suggests that this may be a clinically significant amino acid residue.

Blueprint Genetics
Classification: Likely pathogenic for COL7A1-related disorders. Last evaluated: 2018-08-16. Review status: criteria provided, single submitter. Criteria: ACMG Guidelines, 2015. Collection method: clinical testing. Allele origin: germline. Affected: yes. Observed: 1 variant allele.

Literature cited by the submitters: PubMed 16971478 (cited by Labcorp Genetics (formerly Invitae), Labcorp); PubMed 7695699 (cited by Labcorp Genetics (formerly Invitae), Labcorp); PubMed 8218237 (cited by Labcorp Genetics (formerly Invitae), Labcorp); PubMed 19344236 (cited by Labcorp Genetics (formerly Invitae), Labcorp); PubMed 22058051 (cited by Labcorp Genetics (formerly Invitae), Labcorp); PubMed 31001817 (cited by Labcorp Genetics (formerly Invitae), Labcorp).